The following is an entry in ClinVar:

ClinVar aggregate classification (germline): Uncertain significance (1 of 4 stars; one submission).

Conditions:
Galactosylceramide beta-galactosidase deficiency. Also called: Leukodystrophy, Globoid Cell; GALACTOCEREBROSIDASE DEFICIENCY; GALC DEFICIENCY; GLOBOID CELL LEUKOENCEPHALOPATHY; Krabbe Disease. Identifiers: Orphanet 487, MedGen C0023521, MONDO:0009499, OMIM 245200.

Submission:

3billion
Classification: Uncertain significance for Galactosylceramide beta-galactosidase deficiency. Last evaluated: 2025-08-18. Review status: criteria provided, single submitter. Criteria: ACMG Guidelines, 2015. Collection method: clinical testing. Allele origin: germline. Affected: yes.
Comment: The variant is observed at an extremely low frequency in the gnomAD v4.1.0 dataset (total allele frequency: <0.001%). Predicted Consequence/Location: Intron variant In silico tools predict the variant to alter splicing and produce an abnormal transcript [SpliceAI: 0.85 (>=0.2, moderate evidence for spliceogenicity)]. Therefore, this variant is classified as VUS according to the recommendation of ACMG/AMP guideline.

NM_000153.4(GALC):c.1338+12_1338+15dup

Gene: GALC (galactosylceramidase; minus strand). Cytogenetic location: 14q31.3.
Variant type: Duplication.
Coding change: c.1338+12_1338+15dup on transcript NM_000153.4 (MANE Select); bases 12 to 15 of the intron after coding-DNA position 1338, 4 bases duplicated (GTAA; older notation c.1338+12_1338+15dupGTAA).
Molecular consequence: intron variant.
Genome position (GRCh38, 1-based): chr14:87,949,830-87,949,833, TTAC duplicated on the plus strand (GTAA on the coding strand, the reverse complement: GALC is on the minus strand); duplicating any 4 consecutive bases within chr14:87,949,830-87,949,835 gives the same sequence; the c. name uses the placement nearest the transcript's 3' end. VCF-style (leftmost placement, unchanged base first): chr14-87949829-T-TTTAC. GRCh37 (hg19) VCF-style: chr14-88416173-T-TTTAC.
Other names: c.705+12_705+15dup (NM_001424076.1, NM_001424077.1); c.1260+12_1260+15dup (NM_001201402.2); c.1269+12_1269+15dup (NM_001201401.2); c.990+12_990+15dup (NM_001424075.1, NM_001424074.1); c.1170+12_1170+15dup (NM_001424072.1, NM_001424073.1, NM_001424071.1).
Identifiers: ClinVar variation 4855449 (VCV004855449.1).